The following is an entry in ClinVar:

ClinVar aggregate classification (germline): Uncertain significance. Review status: criteria provided, multiple submitters, no conflicts (2 of 4 stars). 2 submissions from 2 submitters: Uncertain significance (2). Last evaluated 2025-10-07.

Conditions:
Ataxia-telangiectasia syndrome (AT). Also called: ATAXIA-TELANGIECTASIA, FRESNO VARIANT; Ataxia-telangiectasia, complementation group E; Ataxia telangiectasia (A-T); Cerebello-oculocutaneous telangiectasia; Immunodeficiency with ataxia telangiectasia; LOUIS-BAR SYNDROME. Identifiers: Orphanet 100, MedGen C0004135, MONDO:0008840, OMIM 208900.
Hereditary cancer-predisposing syndrome. Also called: Hereditary Cancer Syndrome; Tumor predisposition; Neoplastic Syndromes, Hereditary; Hereditary neoplastic syndrome. Identifiers: Orphanet 140162, MedGen C0027672, MeSH D009386, MONDO:0015356.

Submissions (2):

Labcorp Genetics (formerly Invitae), Labcorp
Classification: Uncertain significance for Ataxia-telangiectasia syndrome. Last evaluated: 2025-10-07. Review status: criteria provided, single submitter. Criteria: Invitae Variant Classification Sherloc (09022015). Collection method: clinical testing. Allele origin: germline.
Comment: This sequence change replaces aspartic acid, which is acidic and polar, with histidine, which is basic and polar, at codon 1693 of the ATM protein (p.Asp1693His). This variant is not present in population databases (gnomAD no frequency). This variant has not been reported in the literature in individuals affected with ATM-related conditions. ClinVar contains an entry for this variant (Variation ID: 651108). Invitae Evidence Modeling of protein sequence and biophysical properties (such as structural, functional, and spatial information, amino acid conservation, physicochemical variation, residue mobility, and thermodynamic stability) indicates that this missense variant is not expected to disrupt ATM protein function with a negative predictive value of 95%. In summary, the available evidence is currently insufficient to determine the role of this variant in disease. Therefore, it has been classified as a Variant of Uncertain Significance.

Ambry Genetics
Classification: Uncertain significance for Hereditary cancer-predisposing syndrome. Last evaluated: 2024-07-18. Review status: criteria provided, single submitter. Criteria: Ambry Variant Classification Scheme 2023. Collection method: clinical testing. Allele origin: germline.
Comment: The p.D1693H variant (also known as c.5077G>C), located in coding exon 33 of the ATM gene, results from a G to C substitution at nucleotide position 5077. The aspartic acid at codon 1693 is replaced by histidine, an amino acid with similar properties. This amino acid position is well conserved in available vertebrate species. In addition, this alteration is predicted to be tolerated by in silico analysis. Based on the available evidence, the clinical significance of this variant remains unclear.

NM_000051.4(ATM):c.5077G>C (p.Asp1693His)

Gene: ATM (ATM serine/threonine kinase; plus strand). Cytogenetic location: 11q22.3.
Variant type: single nucleotide variant.
Coding change: c.5077G>C on transcript NM_000051.4 (MANE Select); coding-DNA position 5077, G replaced by C.
Protein change: p.Asp1693His; replaces aspartic acid 1693 with histidine.
Molecular consequence: missense variant.
Genome position (GRCh38, 1-based): chr11:108,299,785, G>C. VCF-style: chr11-108299785-G-C. GRCh37 (hg19) VCF-style: chr11-108170512-G-C.
Other names: c.5077G>C, p.Asp1693His (NM_001351834.2); short protein forms D1693H.
Identifiers: ClinVar variation 651108 (VCV000651108.11), dbSNP rs1591702362, ClinGen allele CA382540604.
Genomic context (GRCh38, chr11:108,299,785, plus strand): 5'-AGCTGCTTGGGAGAAGTGGGTCCTATAGATTTCTCTACCATAGCTATACAACATAGTAAA[G>C]ATGCATCTTATACCAAGGCCCTTAAGTTATTTGAAGATAAAGAACTTCAGTGGACCTTCA-3'
Protein context (NP_000042.3, residues 1683-1703): FSTIAIQHSK[Asp1693His]ASYTKALKLF